The following is an entry in ClinVar:

NM_024312.5(GNPTAB):c.2967_2970del (p.Asp990fs)

Gene: GNPTAB (N-acetylglucosamine-1-phosphate transferase subunits alpha and beta; minus strand). Cytogenetic location: 12q23.2.
Variant type: Deletion.
Coding change: c.2967_2970del on transcript NM_024312.5 (MANE Select); coding-DNA positions 2967 to 2970, 4 bases deleted (GGAT; older notation c.2967_2970delGGAT).
Protein change: p.Asp990fs; shifts the reading frame from aspartic acid 990.
Molecular consequence: frameshift variant.
Genome position (GRCh38, 1-based): chr12:101,761,292-101,761,295, ATCC deleted on the plus strand (GGAT on the coding strand, the reverse complement: GNPTAB is on the minus strand). VCF-style (leftmost placement, unchanged base first): chr12-101761291-TATCC-T. GRCh37 (hg19) VCF-style: chr12-102155069-TATCC-T.
Other names: short protein forms D990fs.
Identifiers: ClinVar variation 4816149 (VCV004816149.2).

ClinVar aggregate classification (germline): Pathogenic/Likely pathogenic. Review status: criteria provided, multiple submitters, no conflicts (2 of 4 stars). 2 submissions from 2 submitters: Pathogenic (1); Likely pathogenic (1). Last evaluated 2024-03-25.

Conditions:
Mucolipidosis type II. Also called: ML II ALPHA/BETA; Mucolipidosis 2; ML 2; Inclusion cell disease; Leroy Disease; N-acetylglucosamine 1phosphotransferase deficiency. Identifiers: Orphanet 576, MedGen C2673377, MONDO:0009650, OMIM 252500.
Pseudo-Hurler polydystrophy. Also called: ML III; ML III ALPHA/BETA; Type III Mucolipidosis; ML IIIA; Mucolipidosis III Alpha/Beta; MUCOLIPIDOSIS IIIA. Identifiers: Orphanet 423461, Orphanet 577, MedGen C0033788, MONDO:0018931, OMIM 252600.

Submissions (2):

Natera, Inc.
Classification: Likely pathogenic for Mucolipidosis type II. Last evaluated: 2024-03-25. Review status: criteria provided, single submitter. Criteria: Natera Variant Classification Schema (03/2026). Collection method: clinical testing. Allele origin: germline.
Comment: The c.2967_2970delGGAT variant in GNPTAB is a frameshift variant predicted to shift the reading frame beginning at codon 990 and leads to a stop codon 12 codons downstream. This variant is expected to result in nonsense mediated decay, truncation, or a dysfunctional protein product. This variant is rare in the general population with a frequency below the threshold expected for the associated phenotype(s). Given the available evidence, this variant is classified as Likely Pathogenic.

Clinical Genetics Service, Universitary Hospital 12 de Octubre
Classification: Pathogenic for Mucolipidosis type II; Pseudo-Hurler polydystrophy. Review status: criteria provided, single submitter. Criteria: ACMG Guidelines, 2015. Collection method: clinical testing. Allele origin: paternal. Affected: yes.